The following is an entry in ClinVar:

NM_182746.3(MCM4):c.592G>A (p.Gly198Arg)

Gene: MCM4 (minichromosome maintenance complex component 4; plus strand). Cytogenetic location: 8q11.21.
Variant type: single nucleotide variant.
Coding change: c.592G>A on transcript NM_182746.3 (MANE Select); coding-DNA position 592, G replaced by A.
Protein change: p.Gly198Arg; replaces glycine 198 with arginine.
Molecular consequence: missense variant.
Genome position (GRCh38, 1-based): chr8:47,962,854, G>A. VCF-style: chr8-47962854-G-A. GRCh37 (hg19) VCF-style: chr8-48875414-G-A.
Other names: c.592G>A, p.Gly198Arg (NM_005914.4); short protein forms G198R.
Identifiers: ClinVar variation 2096496 (VCV002096496.4), dbSNP rs1216583052, ClinGen allele CA371146420.

ClinVar aggregate classification (germline): Uncertain significance (1 of 4 stars; one submission).

gnomAD v4.1: 5 of 1,600,588 alleles (0.00031%); highest among the groups gnomAD compares: African/African-American, 0.0013%; no homozygotes.

Submission:

Labcorp Genetics (formerly Invitae), Labcorp
Classification: Uncertain significance. Last evaluated: 2024-02-24. Review status: criteria provided, single submitter. Criteria: Invitae Variant Classification Sherloc (09022015). Collection method: clinical testing. Allele origin: germline.
Comment: This sequence change replaces glycine, which is neutral and non-polar, with arginine, which is basic and polar, at codon 198 of the MCM4 protein (p.Gly198Arg). This variant is not present in population databases (gnomAD no frequency). This variant has not been reported in the literature in individuals affected with MCM4-related conditions. ClinVar contains an entry for this variant (Variation ID: 2096496). Advanced modeling of protein sequence and biophysical properties (such as structural, functional, and spatial information, amino acid conservation, physicochemical variation, residue mobility, and thermodynamic stability) performed at Invitae indicates that this missense variant is not expected to disrupt MCM4 protein function with a negative predictive value of 80%. In summary, the available evidence is currently insufficient to determine the role of this variant in disease. Therefore, it has been classified as a Variant of Uncertain Significance.